The following is an entry in ClinVar:

ClinVar aggregate classification (germline): Likely pathogenic. Review status: criteria provided, multiple submitters, no conflicts (2 of 4 stars). 2 submissions from 2 submitters: Likely pathogenic (2). Last evaluated 2025-05-14.

Conditions:
Anauxetic dysplasia. Identifiers: Orphanet 93347, MedGen C1846796, MONDO:0011773.
Metaphyseal chondrodysplasia, McKusick type (CHH). Also called: Cartilage-hair hypoplasia; Cartilage-Hair Hypoplasia (CHH). Identifiers: Orphanet 175, MedGen C0220748, MONDO:0009595, OMIM 250250.

Submissions (2):

Women's Health and Genetics/Laboratory Corporation of America, LabCorp
Classification: Likely pathogenic for Metaphyseal chondrodysplasia, McKusick type. Last evaluated: 2025-05-14. Review status: criteria provided, single submitter. Criteria: LabCorp Variant Classification Summary - May 2015. Collection method: clinical testing. Allele origin: germline.
Comment: Variant summary: RMRP n.-28_-1dup28 (also known as NC_000009.11: chr9:g.35658016_35658043dup28) is located in the promoter region of the RMRP gene which is located between the TATA box (at position -33 to -25) and the transcription initiation site (at +1). Other insertions or duplications in the promoter region of RMRP have been classified as pathogenic (internally and in ClinVar). The variant was absent in 127922 control chromosomes. n.-28_-1dup28 has been observed in an individual affected with Cartilage-Hair Hypoplasia (Ip_2015). Many other insertions or duplications in the promoter region of RMRP have been reported in affected individuals in the literature (PMIDs: 21956908, 21396580) and have been demonstrated through functional studies to lead to reduced RMRP transcription (PMIDs: 11207361, 16254002). To our knowledge, no experimental evidence demonstrating an impact on protein function has been reported. The following publication have been ascertained in the context of this evaluation (PMID: 25663137). ClinVar contains an entry for this variant (Variation ID: 1066613). Based on the evidence outlined above, the variant was classified as likely pathogenic.

Labcorp Genetics (formerly Invitae), Labcorp
Classification: Likely pathogenic for Anauxetic dysplasia. Last evaluated: 2020-07-13. Review status: criteria provided, single submitter. Criteria: Invitae Variant Classification Sherloc (09022015). Collection method: clinical testing. Allele origin: germline.
Comment: This variant occurs in the RMRP gene, which encodes an RNA molecule that does not result in a protein product. The frequency data for this variant in the population databases is considered unreliable, as metrics indicate insufficient coverage at this position in the ExAC database. This variant has been observed in individual(s) with clinical features of RMRP-related disease (PMID: 25663137). Other insertions and duplications immediately upstream of the coding sequence have been reported in individuals affected with cartilage-hair hypoplasia-anauxetic dysplasia (CHH-AD) spectrum disorders (PMID: 16244706, 11207361, 12107819) While functional studies for this variant have not been reported, experimental analyses using patient derived cells, as well as in vitro transfection studies, have shown that promoter insertions result in silencing of RMRP transcription and reduced expression of the gene product (PMID: 11207361, 16254002). In summary, the currently available evidence indicates that the variant is pathogenic, but additional data are needed to prove that conclusively. Therefore, this variant has been classified as Likely Pathogenic.

Literature cited by the submitters: PubMed 25663137 (cited by Women's Health and Genetics/Laboratory Corporation of America, LabCorp and Labcorp Genetics (formerly Invitae), Labcorp); PubMed 16244706 (cited by Labcorp Genetics (formerly Invitae), Labcorp); PubMed 11207361 (cited by Labcorp Genetics (formerly Invitae), Labcorp); PubMed 12107819 (cited by Labcorp Genetics (formerly Invitae), Labcorp); PubMed 16254002 (cited by Labcorp Genetics (formerly Invitae), Labcorp).

NC_000009.12:g.35658019_35658046dup

Gene: RMRP (RNA component of mitochondrial RNA processing endoribonuclease; minus strand). Cytogenetic location: 9p13.3.
Variant type: Duplication.
Genome position: GRCh38 VCF-style: chr9-35658018-C-CACGTCCTCAGCTTCACAGAGTAGTATTT. GRCh37 (hg19) VCF-style: chr9-35658015-C-CACGTCCTCAGCTTCACAGAGTAGTATTT.
Identifiers: ClinVar variation 1066613 (VCV001066613.10), dbSNP rs2131809467, ClinGen allele CA2499219887.
Genomic context (GRCh38, chr9:35,658,018, plus strand): 5'-GGAAAGGGGAGGAACAGAGTCCTCAGTGTGTAGCCTAGGATACAGGCCTTCAGCACGAAC[C>CACGTCCTCAGCTTCACAGAGTAGTATTT]ACGTCCTCAGCTTCACAGAGTAGTATTTTATAGCCCTAAAGAAATTGTGTTTTATGATTA-3'